The following is an entry in ClinVar:

ClinVar aggregate classification (germline): Uncertain significance (1 of 4 stars; one submission).

Conditions:
Cardiovascular phenotype. Identifiers: MedGen CN230736.

Submission:

Ambry Genetics
Classification: Uncertain significance for Cardiovascular phenotype. Last evaluated: 2025-02-15. Review status: criteria provided, single submitter. Criteria: Ambry Variant Classification Scheme 2023. Collection method: clinical testing. Allele origin: germline.
Comment: The p.D461A variant (also known as c.1382A>C), located in coding exon 11 of the JAG1 gene, results from an A to C substitution at nucleotide position 1382. The aspartic acid at codon 461 is replaced by alanine, an amino acid with dissimilar properties. This amino acid position is conserved. In addition, the in silico prediction for this alteration is inconclusive. Based on the available evidence, the clinical significance of this variant remains unclear.

NM_000214.3(JAG1):c.1382A>C (p.Asp461Ala)

Gene: JAG1 (jagged canonical Notch ligand 1; minus strand). Cytogenetic location: 20p12.2.
Variant type: single nucleotide variant.
Coding change: c.1382A>C on transcript NM_000214.3 (MANE Select); coding-DNA position 1382, A replaced by C.
Protein change: p.Asp461Ala; replaces aspartic acid 461 with alanine.
Molecular consequence: missense variant.
Genome position (GRCh38, 1-based): chr20:10,649,074, T>G on the plus strand (A>C on the coding strand, the complement: JAG1 is on the minus strand). VCF-style: chr20-10649074-T-G. GRCh37 (hg19) VCF-style: chr20-10629722-T-G.
Other names: short protein forms D461A.
Identifiers: ClinVar variation 3862106 (VCV003862106.1).